The following is an entry in ClinVar:

ClinVar aggregate classification (germline): Uncertain significance. Review status: criteria provided, multiple submitters, no conflicts (2 of 4 stars). 2 submissions from 2 submitters: Uncertain significance (2). Last evaluated 2023-12-04.

Conditions:
Hereditary cancer-predisposing syndrome. Also called: Neoplastic Syndromes, Hereditary; Tumor predisposition; Hereditary Cancer Syndrome; Hereditary neoplastic syndrome. Identifiers: Orphanet 140162, MedGen C0027672, MeSH D009386, MONDO:0015356.

Submissions (2):

Color Diagnostics, LLC DBA Color Health
Classification: Uncertain significance for Hereditary cancer-predisposing syndrome. Last evaluated: 2023-12-04. Review status: criteria provided, single submitter. Criteria: ACMG Guidelines, 2015. Collection method: clinical testing. Allele origin: germline.
Comment: This missense variant replaces leucine with valine at codon 2030 of the APC protein. Computational prediction is inconclusive regarding the impact of this variant on protein structure and function (internally defined REVEL score threshold 0.5 < inconclusive < 0.7, PMID: 27666373). To our knowledge, functional studies have not been reported for this variant. This variant has not been reported in individuals affected with APC-related disorders in the literature. This variant has not been identified in the general population by the Genome Aggregation Database (gnomAD). The available evidence is insufficient to determine the role of this variant in disease conclusively. Therefore, this variant is classified as a Variant of Uncertain Significance.

Ambry Genetics
Classification: Uncertain significance for Hereditary cancer-predisposing syndrome. Last evaluated: 2019-08-03. Review status: criteria provided, single submitter. Criteria: Ambry Variant Classification Scheme 2023. Collection method: clinical testing. Allele origin: germline.
Comment: The p.L2030V variant (also known as c.6088C>G), located in coding exon 15 of the APC gene, results from a C to G substitution at nucleotide position 6088. The leucine at codon 2030 is replaced by valine, an amino acid with highly similar properties. This amino acid position is highly conserved in available vertebrate species. In addition, in silico predictors for this gene do not accurately predict pathogenicity. Since supporting evidence is limited at this time, the clinical significance of this alteration remains unclear.

NM_000038.6(APC):c.6088C>G (p.Leu2030Val)

Gene: APC (APC regulator of Wnt signaling pathway; plus strand). Cytogenetic location: 5q22.2.
Variant type: single nucleotide variant.
Coding change: c.6088C>G on transcript NM_000038.6 (MANE Select); coding-DNA position 6088, C replaced by G.
Protein change: p.Leu2030Val; replaces leucine 2030 with valine.
Molecular consequence: missense variant.
Genome position (GRCh38, 1-based): chr5:112,841,682, C>G. VCF-style: chr5-112841682-C-G. GRCh37 (hg19) VCF-style: chr5-112177379-C-G.
Other names: c.6088C>G, p.Leu2030Val (NM_001127510.3, NM_001354895.2); c.6034C>G, p.Leu2012Val (NM_001127511.3); c.6142C>G, p.Leu2048Val (NM_001354896.2); c.6118C>G, p.Leu2040Val (NM_001354897.2); c.6013C>G, p.Leu2005Val (NM_001354898.2); c.6004C>G, p.Leu2002Val (NM_001354899.2); c.5965C>G, p.Leu1989Val (NM_001354900.2); c.5911C>G, p.Leu1971Val (NM_001354901.2); and 5 more; short protein forms L1870V, L2012V, L1747V, L1904V, L1939V, L1989V, L2005V, L2030V.
Identifiers: ClinVar variation 925914 (VCV000925914.6), dbSNP rs749725391, ClinGen allele CA16034657.